The following is an entry in ClinVar:

NM_020843.4(SCAPER):c.3626C>T (p.Thr1209Ile)

Gene: SCAPER (S-phase cyclin A associated protein in the ER; minus strand). Cytogenetic location: 15q24.3.
Variant type: single nucleotide variant.
Coding change: c.3626C>T on transcript NM_020843.4 (MANE Select); coding-DNA position 3626, C replaced by T.
Protein change: p.Thr1209Ile; replaces threonine 1209 with isoleucine.
Molecular consequence: missense variant. On other transcripts: non-coding transcript variant (1).
Genome position (GRCh38, 1-based): chr15:76,381,457, G>A on the plus strand (C>T on the coding strand, the complement: SCAPER is on the minus strand). VCF-style: chr15-76381457-G-A. GRCh37 (hg19) VCF-style: chr15-76673798-G-A.
Other names: c.2888C>T, p.Thr963Ile (NM_001145923.2); c.3644C>T, p.Thr1215Ile (NM_001353009.2); c.3224C>T, p.Thr1075Ile (NM_001353010.2, NM_001353012.2); c.3242C>T, p.Thr1081Ile (NM_001353011.2); short protein forms T963I, T1081I, T1215I, T1075I, T1209I.
Identifiers: ClinVar variation 4993483 (VCV004993483.1).
Genomic context (GRCh38, chr15:76,381,457, plus strand): 5'-AGAGCTGCAAAGCTGTTGAAGAAACGTAAACTCTGAATGGCCACTTGGATGGTATTTTGA[G>A]TGTAATTCTCCTTGGGACTGGCAGTGCTGGGGTCCAAGATGGTGCCATGGAAGAGGACAC-3'
Protein context (NP_065894.2, residues 1199-1219): PSTASPKENY[Thr1209Ile]QNTIQVAIQS

ClinVar aggregate classification (germline): Uncertain significance (1 of 4 stars; one submission).

Conditions:
SCAPER-related disorder. Also called: SCAPER-related condition.

gnomAD v4.1: 2 of 1,613,870 alleles (0.00012%); highest among the groups gnomAD compares: Non-Finnish European, 0.00017%; no homozygotes.

Submission:

PreventionGenetics, part of Exact Sciences
Classification: Uncertain significance for SCAPER-related condition. Last evaluated: 2026-05-20. Review status: criteria provided, single submitter. Criteria: ACMG Guidelines, 2015. Collection method: clinical testing. Allele origin: germline.
Comment: The SCAPER c.3644C>T variant is predicted to result in the amino acid substitution p.Thr1215Ile. To our knowledge, this variant has not been reported in the literature or in a large population database (gnomAD), indicating this variant is rare. At this time, the clinical significance of this variant is uncertain due to the absence of conclusive functional and genetic evidence.